The following is an entry in ClinVar:

NM_032380.5(GFM2):c.2247dup (p.Ser750fs)

Gene: GFM2 (GTP dependent ribosome recycling factor mitochondrial 2; minus strand). Cytogenetic location: 5q13.3.
Variant type: Duplication.
Coding change: c.2247dup on transcript NM_032380.5 (MANE Select); coding-DNA position 2247, one base duplicated (C; older notation c.2247dupC).
Protein change: p.Ser750fs; shifts the reading frame from serine 750.
Molecular consequence: frameshift variant. On other transcripts: non-coding transcript variant (1).
Genome position (GRCh38, 1-based): chr5:74,721,748, G duplicated on the plus strand (C on the coding strand, the reverse complement: GFM2 is on the minus strand). VCF-style (leftmost placement, unchanged base first): chr5-74721747-A-AG. GRCh37 (hg19) VCF-style: chr5-74017572-A-AG.
Other names: c.2343dup, p.Ser782fs (NM_001281302.2); c.2106dup, p.Ser703fs (NM_170691.3); short protein forms S703fs, S750fs, S782fs.
Identifiers: ClinVar variation 2581387 (VCV002581387.1), dbSNP rs753693719, ClinGen allele CA3306310.

ClinVar aggregate classification (germline): Uncertain significance (1 of 4 stars; one submission).

Allele frequency attached by ClinVar (database versions not stated): gnomAD exomes below 0.00001; ExAC 0.00001; TOPMed 0.00002.

Submission:

Women's Health and Genetics/Laboratory Corporation of America, LabCorp
Classification: Uncertain significance. Last evaluated: 2023-08-25. Review status: criteria provided, single submitter. Criteria: LabCorp Variant Classification Summary - May 2015. Collection method: clinical testing. Allele origin: germline.
Comment: Variant summary: GFM2 c.2247dupC (p.Ser750LeufsX44) causes a frameshift which results in an extension of the protein, altering a portion of the Elongation factor EFG, domain V-like (IPR000640). The variant allele was found at a frequency of 4e-06 in 250842 control chromosomes (gnomAD). The available data on variant occurrences in the general population are insufficient to allow any conclusion about variant significance. To our knowledge, no occurrence of c.2247dupC in individuals affected with Combined Oxidative Phosphorylation Deficiency 39 and no experimental evidence demonstrating its impact on protein function have been reported. No submitters have cited clinical-significance assessments for this variant to ClinVar after 2014. Based on the evidence outlined above, the variant was classified as uncertain significance.